The following is an entry in ClinVar:

NM_001267550.2(TTN):c.51221A>G (p.Asp17074Gly)

Genes: TTN (titin; minus strand), TTN-AS1 (TTN antisense RNA 1; plus strand). Cytogenetic location: 2q31.2.
Variant type: single nucleotide variant.
Coding change: c.51221A>G on transcript NM_001267550.2 (MANE Select); coding-DNA position 51221, A replaced by G.
Protein change: p.Asp17074Gly; replaces aspartic acid 17074 with glycine.
Molecular consequence: missense variant.
Genome position (GRCh38, 1-based): chr2:178,610,305, T>C on the plus strand (A>G on the coding strand, the complement: TTN is on the minus strand). VCF-style: chr2-178610305-T-C. GRCh37 (hg19) VCF-style: chr2-179475032-T-C.
Other names: c.43517A>G, p.Asp14506Gly (NM_133378.4); c.46298A>G, p.Asp15433Gly (NM_001256850.1); c.24026A>G, p.Asp8009Gly (NM_003319.4); c.24401A>G, p.Asp8134Gly (NM_133432.3); c.24602A>G, p.Asp8201Gly (NM_133437.4); short protein forms D14506G, D17074G, D8201G, D15433G, D8134G, D8009G.
Identifiers: ClinVar variation 505588 (VCV000505588.5), dbSNP rs1553693510, ClinGen allele CA349587779.
Genomic context (GRCh38, chr2:178,610,305, plus strand): 5'-TATGTTCTCCTCCCAGCTTCTCTGCGCTCCAGGACATAATGAAGAATTGGGGTTCCACCA[T>C]CAAATTCTGGAGGTTCCCAAGTTAACTTACAAGAACTCTTGGTAATGTCACTTGCTTTAA-3'
Protein context (NP_001254479.2, residues 17064-17084): CKLTWEPPEF[Asp17074Gly]GGTPILHYVL

ClinVar aggregate classification (germline): Uncertain significance (1 of 4 stars; one submission).

Submission:

Laboratory for Molecular Medicine, Mass General Brigham Personalized Medicine
Classification: Uncertain significance. Last evaluated: 2017-01-20. Review status: criteria provided, single submitter. Criteria: LMM Criteria. Collection method: clinical testing. Allele origin: germline. Observed: 1 variant allele.
Comment: The p.Asp14506Gly variant in TTN has not been previously reported in individuals with cardiomyopathy or in large population studies. Computational prediction to ols and conservation analysis suggest that the p.Asp14506Gly variant may impact the protein, though this information is not predictive enough to determine patho genicity. In summary, the clinical significance of the p.Asp14506Gly variant is uncertain.